The following is an entry in ClinVar:

ClinVar aggregate classification (germline): Uncertain significance (1 of 4 stars; one submission).

Conditions:
Malignant hyperthermia, susceptibility to, 1 (MHS1). Also called: RYR1-Related Malignant Hyperthermia Susceptibility; Malignant hyperthermia suceptibility 1; Anesthesia related hyperthermia; Malignant hyperpyrexia; Fulminating hyperpyrexia; Pharmacogenic myopathy. Identifiers: Orphanet 423, MedGen C2930980, MONDO:0007783, OMIM 145600.

gnomAD v4.1: 4 of 1,611,576 alleles (0.00025%); highest among the groups gnomAD compares: Non-Finnish European, 0.00034%; no homozygotes.

Submission:

Color Diagnostics, LLC DBA Color Health
Classification: Uncertain significance for Malignant hyperthermia, susceptibility to, 1. Last evaluated: 2025-08-10. Review status: criteria provided, single submitter. Criteria: ACMG Guidelines, 2015. Collection method: clinical testing. Allele origin: germline.
Comment: This missense variant replaces proline with arginine at codon 894 of the RYR1 protein. Computational prediction suggests that this variant may not impact protein structure and function. To our knowledge, functional studies have not been reported for this variant. This variant has not been reported in individuals affected with RYR1-related disorders in the literature. This variant has not been identified in the general population by the Genome Aggregation Database (gnomAD). The available evidence is insufficient to determine the role of this variant in disease conclusively. Therefore, this variant is classified as a Variant of Uncertain Significance.

NM_000540.3(RYR1):c.2681C>G (p.Pro894Arg)

Gene: RYR1 (ryanodine receptor 1; plus strand). Cytogenetic location: 19q13.2.
Variant type: single nucleotide variant.
Coding change: c.2681C>G on transcript NM_000540.3 (MANE Select); coding-DNA position 2681, C replaced by G.
Protein change: p.Pro894Arg; replaces proline 894 with arginine.
Molecular consequence: missense variant.
Genome position (GRCh38, 1-based): chr19:38,463,526, C>G. VCF-style: chr19-38463526-C-G. GRCh37 (hg19) VCF-style: chr19-38954166-C-G.
Other names: c.2681C>G, p.Pro894Arg (NM_001042723.2); short protein forms P894R.
Identifiers: ClinVar variation 4756297 (VCV004756297.1).